The following is an entry in ClinVar:

NM_001378457.1(DMXL2):c.2027C>T (p.Thr676Ile)

Gene: DMXL2 (Dmx like 2; minus strand). Cytogenetic location: 15q21.2.
Variant type: single nucleotide variant.
Coding change: c.2027C>T on transcript NM_001378457.1 (MANE Select); coding-DNA position 2027, C replaced by T.
Protein change: p.Thr676Ile; replaces threonine 676 with isoleucine.
Molecular consequence: missense variant. On other transcripts: non-coding transcript variant (2).
Genome position (GRCh38, 1-based): chr15:51,536,453, G>A on the plus strand (C>T on the coding strand, the complement: DMXL2 is on the minus strand). VCF-style: chr15-51536453-G-A. GRCh37 (hg19) VCF-style: chr15-51828650-G-A.
Other names: c.2027C>T, p.Thr676Ile (NM_001174116.3, NM_001174117.3, NM_001378458.1 and 6 more transcripts); c.1787C>T, p.Thr596Ile (NM_001378464.1); short protein forms T596I, T676I.
Identifiers: ClinVar variation 2072234 (VCV002072234.2), dbSNP rs1309261762, ClinGen allele CA392443218.

ClinVar aggregate classification (germline): Uncertain significance (1 of 4 stars; one submission).

Submission:

Labcorp Genetics (formerly Invitae), Labcorp
Classification: Uncertain significance. Last evaluated: 2022-04-08. Review status: criteria provided, single submitter. Criteria: Invitae Variant Classification Sherloc (09022015). Collection method: clinical testing. Allele origin: germline.
Comment: Algorithms developed to predict the effect of missense changes on protein structure and function are either unavailable or do not agree on the potential impact of this missense change (SIFT: "Deleterious"; PolyPhen-2: "Probably Damaging"; Align-GVGD: "Class C0"). In summary, the available evidence is currently insufficient to determine the role of this variant in disease. Therefore, it has been classified as a Variant of Uncertain Significance. This sequence change replaces threonine, which is neutral and polar, with isoleucine, which is neutral and non-polar, at codon 676 of the DMXL2 protein (p.Thr676Ile). This variant is present in population databases (no rsID available, gnomAD 0.003%). This variant has not been reported in the literature in individuals affected with DMXL2-related conditions.